The following is an entry in ClinVar:

ClinVar aggregate classification (germline): Benign (1 of 4 stars; one submission).

Conditions:
BAP1-related tumor predisposition syndrome (TPDS1). Also called: Tumor susceptibility linked to germline BAP1 mutations; COMMON Syndrome; TUMOR PREDISPOSITION SYNDROME 1; BAP1 tumor predisposition syndrome. Identifiers: Orphanet 289539, MedGen C3280492, MONDO:0013692, OMIM 614327.

Allele frequency attached by ClinVar (database versions not stated): gnomAD exomes 0.00018; 1000 Genomes Project 30x 0.00109; gnomAD 0.00139 and 0.00148; 1000 Genomes Project 0.00140; TOPMed 0.00147.

Submission:

Illumina Laboratory Services, Illumina
Classification: Benign for BAP1-related tumor predisposition syndrome. Last evaluated: 2018-01-13. Review status: criteria provided, single submitter. Criteria: ICSL Variant Classification Criteria 13 December 2019. Collection method: clinical testing. Allele origin: germline.
Comment: This variant was observed in the ICSL laboratory as part of a predisposition screen in an ostensibly healthy population. It had not been previously curated by ICSL or reported in the Human Gene Mutation Database (HGMD: prior to June 1st, 2018), and was therefore a candidate for classification through an automated scoring system. Utilizing variant allele frequency, disease prevalence and penetrance estimates, and inheritance mode, an automated score was calculated to assess if this variant is too frequent to cause the disease. Based on the score and internal cut-off values, a variant classified as benign is not then subjected to further curation. The score for this variant resulted in a classification of benign for this disease.

NM_004656.4(BAP1):c.*300A>G

Gene: BAP1 (BRCA1 associated deubiquitinase 1; minus strand). Cytogenetic location: 3p21.1.
Variant type: single nucleotide variant.
Coding change: c.*300A>G on transcript NM_004656.4 (MANE Select); 300 bases downstream of the stop codon, A replaced by G.
Molecular consequence: 3 prime UTR variant.
Genome position (GRCh38, 1-based): chr3:52,401,988, T>C on the plus strand (A>G on the coding strand, the complement: BAP1 is on the minus strand). VCF-style: chr3-52401988-T-C. GRCh37 (hg19) VCF-style: chr3-52436004-T-C.
Identifiers: ClinVar variation 903579 (VCV000903579.4), dbSNP rs150842955, ClinGen allele CA74739742.